The following is an entry in ClinVar:

NM_001148.6(ANK2):c.10362G>T (p.Arg3454Ser)

Gene: ANK2 (ankyrin 2; plus strand). Cytogenetic location: 4q26.
Variant type: single nucleotide variant.
Coding change: c.10362G>T on transcript NM_001148.6 (MANE Select); coding-DNA position 10362, G replaced by T.
Protein change: p.Arg3454Ser; replaces arginine 3454 with serine.
Molecular consequence: missense variant. On other transcripts: intron variant (68).
Genome position (GRCh38, 1-based): chr4:113,358,980, G>T. VCF-style: chr4-113358980-G-T. GRCh37 (hg19) VCF-style: chr4-114280136-G-T.
Other names: c.10128G>T, p.Arg3376Ser (NM_001386142.1); c.6762G>T, p.Arg2254Ser (NM_001386166.1); c.10503G>T, p.Arg3501Ser (NM_001386174.1); c.10479G>T, p.Arg3493Ser (NM_001386175.1); c.4412-1843G>T (NM_001386186.2, NM_001386148.2); c.4214-1843G>T (NM_001354269.3); c.4292-1843G>T (NM_001386187.2); c.4253-1843G>T (NM_001386147.1); and 35 more; short protein forms R3454S, R2254S, R3376S, R3493S, R3501S.
Identifiers: ClinVar variation 406495 (VCV000406495.18), dbSNP rs55726422, ClinGen allele CA3052059.

ClinVar aggregate classification (germline): Likely benign. Review status: criteria provided, multiple submitters, no conflicts (2 of 4 stars). 5 submissions from 5 submitters: Likely benign (5). Last evaluated 2026-02-03.

Conditions:
Cardiovascular phenotype. Identifiers: MedGen CN230736.
Long QT syndrome (LQTS). Identifiers: MedGen C0023976, MeSH D008133, MONDO:0002442. Disease mechanism: loss of function. Inheritance: Various modes of inheritance.
Cardiac arrhythmia, ankyrin-B-related. Also called: ANKYRIN-B SYNDROME. Identifiers: Orphanet 101016, Orphanet 768, MedGen C1970119, MONDO:0010958, OMIM 600919.

Allele frequency attached by ClinVar (database versions not stated): ESP Exome Variant Server 0.00015; 1000 Genomes Project 30x 0.00016; TOPMed 0.00023.
gnomAD v4.1: 107 of 1,614,068 alleles (0.0066%); highest among the groups gnomAD compares: African/African-American, 0.12%; no homozygotes.

Submissions (5):

Labcorp Genetics (formerly Invitae), Labcorp
Classification: Likely benign for Long QT syndrome. Last evaluated: 2026-02-03. Review status: criteria provided, single submitter. Criteria: Invitae Variant Classification Sherloc (09022015). Collection method: clinical testing. Allele origin: germline.

Women's Health and Genetics/Laboratory Corporation of America, LabCorp
Classification: Likely benign. Last evaluated: 2025-04-22. Review status: criteria provided, single submitter. Criteria: LabCorp Variant Classification Summary - May 2015. Collection method: clinical testing. Allele origin: germline.

Ambry Genetics
Classification: Likely benign for Cardiovascular phenotype. Last evaluated: 2025-04-04. Review status: criteria provided, single submitter. Criteria: Ambry Variant Classification Scheme 2023. Collection method: clinical testing. Allele origin: germline.

Fulgent Genetics
Classification: Likely benign for Cardiac arrhythmia, ankyrin-B-related. Last evaluated: 2021-07-26. Review status: criteria provided, single submitter. Criteria: ACMG Guidelines, 2015. Collection method: clinical testing. Allele origin: unknown.

GeneDx
Classification: Likely benign. Last evaluated: 2018-05-23. Review status: criteria provided, single submitter. Criteria: GeneDx Variant Classification (06012015). Collection method: clinical testing. Allele origin: germline. Affected: yes.
Comment: This variant is considered likely benign or benign based on one or more of the following criteria: it is a conservative change, it occurs at a poorly conserved position in the protein, it is predicted to be benign by multiple in silico algorithms, and/or has population frequency not consistent with disease.